The following is an entry in ClinVar:

ClinVar aggregate classification (germline): Pathogenic (1 of 4 stars; one submission).

Conditions:
Tuberous sclerosis syndrome (TSC). Also called: Tuberous sclerosis; Tuberous Sclerosis Complex. Identifiers: Orphanet 805, MedGen C0041341, MONDO:0001734.

Submission:

Laboratory for Molecular Medicine, Mass General Brigham Personalized Medicine
Classification: Pathogenic for Tuberous sclerosis syndrome. Last evaluated: 2019-02-01. Review status: criteria provided, single submitter. Criteria: ACMG Guidelines, 2015. Collection method: clinical testing. Allele origin: germline. Inheritance: Autosomal dominant inheritance.
Comment: The p.Ile1357fs variant in TSC2 has not been previously reported in individuals with tuberous sclerosis and was absent from large population studies. This variant is predicted to cause a frameshift, which alters the protein’s amino acid sequence beginning at position 1357 and leads to a premature termination codon 57 amino acids downstream. This alteration is then predicted to lead to a truncated or absent protein. Heterozygous loss of function of the TSC2 gene is an established disease mechanism in tuberous sclerosis. In summary, this variant meets criteria to be classified as pathogenic for tuberous sclerosis in an autosomal dominant manner.

NM_000548.5(TSC2):c.4067dup (p.Ile1357fs)

Gene: TSC2 (TSC complex subunit 2; plus strand). Cytogenetic location: 16p13.3.
Variant type: Duplication.
Coding change: c.4067dup on transcript NM_000548.5 (MANE Select); coding-DNA position 4067, one base duplicated (G; older notation c.4067dupG).
Protein change: p.Ile1357fs; shifts the reading frame from isoleucine 1357.
Molecular consequence: frameshift variant. On other transcripts: non-coding transcript variant (5).
Genome position (GRCh38, 1-based): chr16:2,084,289, G duplicated; the last of 4 consecutive G bases (chr16:2,084,286-2,084,289); duplicating any one gives the same sequence. VCF-style (leftmost placement, unchanged base first): chr16-2084285-A-AG. GRCh37 (hg19) VCF-style: chr16-2134286-A-AG.
Other names: c.3866dup, p.Ile1290fs (NM_001077183.3); c.3998dup, p.Ile1334fs (NM_001114382.3); c.3758dup, p.Ile1254fs (NM_001318827.2); c.3722dup, p.Ile1242fs (NM_001318829.2); c.3335dup, p.Ile1113fs (NM_001318831.2); c.3899dup, p.Ile1301fs (NM_001318832.2); c.3869dup, p.Ile1291fs (NM_001363528.2); c.3935dup, p.Ile1313fs (NM_001370404.1); and 26 more; short protein forms I1090fs, I1091fs, I1113fs, I1133fs, I1134fs, I1137fs, I1157fs, I1241fs.
Identifiers: ClinVar variation 3076046 (VCV003076046.1), dbSNP rs137854330, ClinGen allele CA913188672.